The following is an entry in ClinVar:

ClinVar aggregate classification (germline): Uncertain significance (1 of 4 stars; one submission).

Submission:

Ambry Genetics
Classification: Uncertain significance. Last evaluated: 2021-10-18. Review status: criteria provided, single submitter. Criteria: Ambry Variant Classification Scheme 2023. Collection method: clinical testing. Allele origin: germline.
Comment: The p.K2334Q variant (also known as c.7000A>C), located in coding exon 52 of the PRKDC gene, results from an A to C substitution at nucleotide position 7000. The lysine at codon 2334 is replaced by glutamine, an amino acid with similar properties. This amino acid position is conserved. In addition, this alteration is predicted to be tolerated by in silico analysis. Since supporting evidence is limited at this time, the clinical significance of this alteration remains unclear.

NM_006904.7(PRKDC):c.7000A>C (p.Lys2334Gln)

Gene: PRKDC (protein kinase, DNA-activated, catalytic subunit; minus strand). Cytogenetic location: 8q11.21.
Variant type: single nucleotide variant.
Coding change: c.7000A>C on transcript NM_006904.7 (MANE Select); coding-DNA position 7000, A replaced by C.
Protein change: p.Lys2334Gln; replaces lysine 2334 with glutamine.
Molecular consequence: missense variant.
Genome position (GRCh38, 1-based): chr8:47,852,678, T>G on the plus strand (A>C on the coding strand, the complement: PRKDC is on the minus strand). VCF-style: chr8-47852678-T-G. GRCh37 (hg19) VCF-style: chr8-48765239-T-G.
Other names: c.7000A>C, p.Lys2334Gln (NM_001081640.2); short protein forms K2334Q.
Identifiers: ClinVar variation 1756641 (VCV001756641.2), dbSNP rs1263485635, ClinGen allele CA371158097.